The following is an entry in ClinVar:

NM_006662.3(SRCAP):c.7695G>A (p.Glu2565=)

Gene: SRCAP (Snf2 related CREBBP activator protein; plus strand). Cytogenetic location: 16p11.2.
Variant type: single nucleotide variant.
Coding change: c.7695G>A on transcript NM_006662.3 (MANE Select); coding-DNA position 7695, G replaced by A.
Protein change: p.Glu2565=; no amino-acid change (glutamic acid 2565 retained).
Molecular consequence: synonymous variant.
Genome position (GRCh38, 1-based): chr16:30,737,735, G>A. VCF-style: chr16-30737735-G-A. GRCh37 (hg19) VCF-style: chr16-30749056-G-A.
Identifiers: ClinVar variation 2182071 (VCV002182071.28), dbSNP rs1423000522, ClinGen allele CA494910908.

ClinVar aggregate classification (germline): Likely benign. Review status: criteria provided, multiple submitters, no conflicts (2 of 4 stars). 2 submissions from 2 submitters: Likely benign (2). Last evaluated 2025-06-12.

Allele frequency attached by ClinVar (database versions not stated): gnomAD exomes 0.00001; TOPMed 0.00001.
gnomAD v4.1: 18 of 1,614,206 alleles (0.0011%); highest among the groups gnomAD compares: Non-Finnish European, 0.0015%; no homozygotes.

Submissions (2):

Labcorp Genetics (formerly Invitae), Labcorp
Classification: Likely benign. Last evaluated: 2025-06-12. Review status: criteria provided, single submitter. Criteria: Invitae Variant Classification Sherloc (09022015). Collection method: clinical testing. Allele origin: germline.

CeGaT Center for Human Genetics Tuebingen
Classification: Likely benign. Last evaluated: 2023-05-01. Review status: criteria provided, single submitter. Criteria: CeGaT Center For Human Genetics Tuebingen Variant Classification Criteria Version 2. Collection method: clinical testing. Allele origin: germline. Affected: yes. Observed: 1 variant allele.
Comment: SRCAP: BP4, BP7